The following is an entry in ClinVar:

NM_001367561.1(DOCK7):c.2561G>A (p.Arg854His)

Gene: DOCK7 (dedicator of cytokinesis 7; minus strand). Cytogenetic location: 1p31.3.
Variant type: single nucleotide variant.
Coding change: c.2561G>A on transcript NM_001367561.1 (MANE Select); coding-DNA position 2561, G replaced by A.
Protein change: p.Arg854His; replaces arginine 854 with histidine.
Molecular consequence: missense variant.
Genome position (GRCh38, 1-based): chr1:62,555,860, C>T on the plus strand (G>A on the coding strand, the complement: DOCK7 is on the minus strand). VCF-style: chr1-62555860-C-T. GRCh37 (hg19) VCF-style: chr1-63021531-C-T.
Other names: c.2561G>A, p.Arg854His (NM_001271999.2, NM_001272000.2, NM_001272001.2 and 2 more transcripts); short protein forms R854H.
Identifiers: ClinVar variation 1055712 (VCV001055712.9), dbSNP rs370921127, ClinGen allele CA886240.

ClinVar aggregate classification (germline): Uncertain significance (1 of 4 stars; one submission).

Conditions:
Developmental and epileptic encephalopathy, 23 (DEE23). Also called: Epileptic encephalopathy, early infantile, 23. Identifiers: Orphanet 411986, MedGen C4014492, MONDO:0014371, OMIM 615859.

Allele frequency attached by ClinVar (database versions not stated): ExAC 0.00001; gnomAD 0.00001; gnomAD exomes 0.00001 and 0.00002; TOPMed 0.00002.
gnomAD v4.1: 17 of 1,612,974 alleles (0.0011%); highest among the groups gnomAD compares: Admixed American, 0.0017%; no homozygotes.

Submission:

Labcorp Genetics (formerly Invitae), Labcorp
Classification: Uncertain significance for Developmental and epileptic encephalopathy, 23. Last evaluated: 2024-10-30. Review status: criteria provided, single submitter. Criteria: Invitae Variant Classification Sherloc (09022015). Collection method: clinical testing. Allele origin: germline.
Comment: This sequence change replaces arginine, which is basic and polar, with histidine, which is basic and polar, at codon 854 of the DOCK7 protein (p.Arg854His). This variant is present in population databases (rs370921127, gnomAD 0.004%). This variant has not been reported in the literature in individuals affected with DOCK7-related conditions. ClinVar contains an entry for this variant (Variation ID: 1055712). Invitae Evidence Modeling of protein sequence and biophysical properties (such as structural, functional, and spatial information, amino acid conservation, physicochemical variation, residue mobility, and thermodynamic stability) indicates that this missense variant is not expected to disrupt DOCK7 protein function with a negative predictive value of 80%. In summary, the available evidence is currently insufficient to determine the role of this variant in disease. Therefore, it has been classified as a Variant of Uncertain Significance.